The following is an entry in ClinVar:

ClinVar aggregate classification (germline): Uncertain significance (1 of 4 stars; one submission).

Submission:

Labcorp Genetics (formerly Invitae), Labcorp
Classification: Uncertain significance. Last evaluated: 2025-11-11. Review status: criteria provided, single submitter. Criteria: Invitae Variant Classification Sherloc (09022015). Collection method: clinical testing. Allele origin: germline.
Comment: This sequence change creates a premature translational stop signal (p.Ile200Asnfs*5) in the LIPI gene. It is expected to result in an absent or disrupted protein product. However, the current clinical and genetic evidence is not sufficient to establish whether loss-of-function variants in LIPI cause disease. This variant is present in population databases (rs766218246, gnomAD 0.0009%). This variant has not been reported in the literature in individuals affected with LIPI-related conditions. ClinVar contains an entry for this variant (Variation ID: 1525930). In summary, the available evidence is currently insufficient to determine the role of this variant in disease. Therefore, it has been classified as a Variant of Uncertain Significance.

NM_001302998.2(LIPI):c.535dup (p.Ile179fs)

Gene: LIPI (lipase I; minus strand). Cytogenetic location: 21q11.2.
Variant type: Duplication.
Coding change: c.535dup on transcript NM_001302998.2 (MANE Select); coding-DNA position 535, one base duplicated (A; older notation c.535dupA).
Protein change: p.Ile179fs; shifts the reading frame from isoleucine 179.
Molecular consequence: frameshift variant. On other transcripts: intron variant (1).
Genome position (GRCh38, 1-based): chr21:14,185,967, T duplicated on the plus strand (A on the coding strand, the reverse complement: LIPI is on the minus strand); the first of 2 consecutive T bases (chr21:14,185,967-14,185,968); duplicating either gives the same sequence. VCF-style (leftmost placement, unchanged base first): chr21-14185966-A-AT. GRCh37 (hg19) VCF-style: chr21-15558287-A-AT.
Other names: c.535dup, p.Ile179fs (NM_001302999.2, NM_001303000.2, NM_001303001.2 and 1 more transcripts); c.400dup, p.Ile134fs (NM_198996.4); c.47-4108dup (NM_001379566.1); short protein forms I134fs, I179fs.
Identifiers: ClinVar variation 1525930 (VCV001525930.6), dbSNP rs766218246, ClinGen allele CA317643735.